The following is an entry in ClinVar:

ClinVar aggregate classification (germline): Conflicting classifications of pathogenicity. Review status: criteria provided, conflicting classifications (1 of 4 stars). 3 submissions from 3 submitters: Uncertain significance (2); Likely benign (1). Last evaluated 2025-10-02.

Conditions:
Microcephaly 3, primary, autosomal recessive. Identifiers: Orphanet 2512, MedGen C1858108, MONDO:0011488, OMIM 604804.

Allele frequency attached by ClinVar (database versions not stated): ExAC 0.00004; gnomAD exomes 0.00004; gnomAD 0.00005 and 0.00006; TOPMed 0.00006.
gnomAD v4.1: 72 of 1,614,054 alleles (0.0045%); highest among the groups gnomAD compares: Non-Finnish European, 0.0053%; no homozygotes.

Submissions (3):

Labcorp Genetics (formerly Invitae), Labcorp
Classification: Uncertain significance. Last evaluated: 2025-10-02. Review status: criteria provided, single submitter. Criteria: Invitae Variant Classification Sherloc (09022015). Collection method: clinical testing. Allele origin: germline.
Comment: This sequence change replaces leucine, which is neutral and non-polar, with valine, which is neutral and non-polar, at codon 882 of the CDK5RAP2 protein (p.Leu882Val). This variant is present in population databases (rs587783383, gnomAD 0.006%). This variant has not been reported in the literature in individuals affected with CDK5RAP2-related conditions. ClinVar contains an entry for this variant (Variation ID: 158135). An algorithm developed to predict the effect of missense changes on protein structure and function (PolyPhen-2) suggests that this variant is likely to be tolerated. In summary, the available evidence is currently insufficient to determine the role of this variant in disease. Therefore, it has been classified as a Variant of Uncertain Significance.

CeGaT Center for Human Genetics Tuebingen
Classification: Likely benign. Last evaluated: 2018-04-01. Review status: criteria provided, single submitter. Criteria: CeGaT Center For Human Genetics Tuebingen Variant Classification Criteria Version 2. Collection method: clinical testing. Allele origin: germline. Affected: yes. Observed: 1 variant allele.

Genetic Services Laboratory, University of Chicago
Classification: Uncertain significance for Microcephaly 3, primary, autosomal recessive. Last evaluated: 2013-02-08. Review status: criteria provided, single submitter. Criteria: ACMG Guidelines, 2007. Collection method: clinical testing. Allele origin: germline. Inheritance: Autosomal recessive inheritance.

NM_018249.6(CDK5RAP2):c.2644C>G (p.Leu882Val)

Gene: CDK5RAP2 (CDK5 regulatory subunit associated protein 2; minus strand). Cytogenetic location: 9q33.2.
Variant type: single nucleotide variant.
Coding change: c.2644C>G on transcript NM_018249.6 (MANE Select); coding-DNA position 2644, C replaced by G.
Protein change: p.Leu882Val; replaces leucine 882 with valine.
Molecular consequence: missense variant. On other transcripts: non-coding transcript variant (5), intron variant (1).
Genome position (GRCh38, 1-based): chr9:120,453,605, G>C on the plus strand (C>G on the coding strand, the complement: CDK5RAP2 is on the minus strand). VCF-style: chr9-120453605-G-C. GRCh37 (hg19) VCF-style: chr9-123215883-G-C.
Other names: c.2644C>G, p.Leu882Val (NM_001011649.3); c.2104-5479C>G (NM_001272039.2); short protein forms L882V.
Identifiers: ClinVar variation 158135 (VCV000158135.50), dbSNP rs587783383, ClinGen allele CA271197.